The following is an entry in ClinVar:

ClinVar aggregate classification (germline): Uncertain significance. Review status: criteria provided, multiple submitters, no conflicts (2 of 4 stars). 3 submissions from 3 submitters: Uncertain significance (3). Last evaluated 2026-04-09.

Conditions:
Familial thoracic aortic aneurysm and aortic dissection (TAAD). Also called: Thoracic aortic aneurysms and dissections. Identifiers: Orphanet 91387, MedGen C4707243, MONDO:0019625.
Congenital contractural arachnodactyly (CCA). Also called: BEALS SYNDROME; Beals-Hecht syndrome; Arthrogryposis, distal, type 9. Identifiers: Orphanet 115, MedGen C0220668, MONDO:0007363, OMIM 121050.

Submissions (3):

Ambry Genetics
Classification: Uncertain significance for Familial thoracic aortic aneurysm and aortic dissection. Last evaluated: 2026-04-09. Review status: criteria provided, single submitter. Criteria: Ambry Variant Classification Scheme 2023. Collection method: clinical testing. Allele origin: germline.
Comment: The p.G1729R variant (also known as c.5185G>C), located in coding exon 40 of the FBN2 gene, results from a G to C substitution at nucleotide position 5185. The glycine at codon 1729 is replaced by arginine, an amino acid with dissimilar properties. This amino acid position is conserved. In addition, this alteration is predicted to be deleterious by in silico analysis. Based on the available evidence, the clinical significance of this variant remains unclear.

Labcorp Genetics (formerly Invitae), Labcorp
Classification: Uncertain significance for Congenital contractural arachnodactyly. Last evaluated: 2025-04-07. Review status: criteria provided, single submitter. Criteria: Invitae Variant Classification Sherloc (09022015). Collection method: clinical testing. Allele origin: germline.
Comment: This sequence change replaces glycine, which is neutral and non-polar, with arginine, which is basic and polar, at codon 1729 of the FBN2 protein (p.Gly1729Arg). This variant is not present in population databases (gnomAD no frequency). This variant has not been reported in the literature in individuals affected with FBN2-related conditions. ClinVar contains an entry for this variant (Variation ID: 1677621). Invitae Evidence Modeling of protein sequence and biophysical properties (such as structural, functional, and spatial information, amino acid conservation, physicochemical variation, residue mobility, and thermodynamic stability) indicates that this missense variant is not expected to disrupt FBN2 protein function with a negative predictive value of 80%. In summary, the available evidence is currently insufficient to determine the role of this variant in disease. Therefore, it has been classified as a Variant of Uncertain Significance.

AiLife Diagnostics
Classification: Uncertain significance. Last evaluated: 2021-11-09. Review status: criteria provided, single submitter. Criteria: ACMG Guidelines, 2015. Collection method: clinical testing. Allele origin: germline. Affected: yes. Observed: 1 variant allele.

NM_001999.4(FBN2):c.5185G>C (p.Gly1729Arg)

Gene: FBN2 (fibrillin 2; minus strand). Cytogenetic location: 5q23.3.
Variant type: single nucleotide variant.
Coding change: c.5185G>C on transcript NM_001999.4 (MANE Select); coding-DNA position 5185, G replaced by C.
Protein change: p.Gly1729Arg; replaces glycine 1729 with arginine.
Molecular consequence: missense variant.
Genome position (GRCh38, 1-based): chr5:128,309,998, C>G on the plus strand (G>C on the coding strand, the complement: FBN2 is on the minus strand). VCF-style: chr5-128309998-C-G. GRCh37 (hg19) VCF-style: chr5-127645690-C-G.
Other names: c.5185G>C (NM_001999.3); short protein forms G1729R.
Identifiers: ClinVar variation 1677621 (VCV001677621.3), dbSNP rs2126843730, ClinGen allele CA360744364.